The following is an entry in ClinVar:

NM_000455.5(STK11):c.*685C>A

Gene: STK11 (serine/threonine kinase 11; plus strand). Cytogenetic location: 19p13.3.
Variant type: single nucleotide variant.
Coding change: c.*685C>A on transcript NM_000455.5 (MANE Select); 685 bases downstream of the stop codon, C replaced by A.
Molecular consequence: 3 prime UTR variant.
Genome position (GRCh38, 1-based): chr19:1,228,261, C>A. VCF-style: chr19-1228261-C-A. GRCh37 (hg19) VCF-style: chr19-1228260-C-A.
Identifiers: ClinVar variation 328245 (VCV000328245.8), dbSNP rs111773256, ClinGen allele CA10648306.

ClinVar aggregate classification (germline): Benign. Review status: criteria provided, multiple submitters, no conflicts (2 of 4 stars). 3 submissions from 3 submitters: Benign (3). Last evaluated 2018-01-13.

Conditions:
Peutz-Jeghers syndrome (PJS). Also called: POLYPOSIS, HAMARTOMATOUS INTESTINAL; POLYPS-AND-SPOTS SYNDROME; Peutz-Jeghers polyposis; Periorificial lentiginosis syndrome. Identifiers: Orphanet 2869, MedGen C0031269, MeSH D010580, MONDO:0008280, OMIM 175200.

Allele frequency attached by ClinVar (database versions not stated): gnomAD exomes 0.01905; gnomAD 0.05222 and 0.05323; TOPMed 0.05847; 1000 Genomes Project 0.07548; 1000 Genomes Project 30x 0.07730.

Submissions (3):

Illumina Laboratory Services, Illumina
Classification: Benign for Peutz-Jeghers syndrome. Last evaluated: 2018-01-13. Review status: criteria provided, single submitter. Criteria: ICSL Variant Classification Criteria 13 December 2019. Collection method: clinical testing. Allele origin: germline.
Comment: This variant was observed in the ICSL laboratory as part of a predisposition screen in an ostensibly healthy population. It had not been previously curated by ICSL or reported in the Human Gene Mutation Database (HGMD: prior to June 1st, 2018), and was therefore a candidate for classification through an automated scoring system. Utilizing variant allele frequency, disease prevalence and penetrance estimates, and inheritance mode, an automated score was calculated to assess if this variant is too frequent to cause the disease. Based on the score and internal cut-off values, a variant classified as benign is not then subjected to further curation. The score for this variant resulted in a classification of benign for this disease.

GeneDx
Classification: Benign. Last evaluated: 2015-03-03. Review status: criteria provided, single submitter. Criteria: GeneDx Variant Classification Process June 2021. Collection method: clinical testing. Allele origin: germline. Affected: yes.

Breakthrough Genomics
Classification: Benign. Review status: criteria provided, single submitter. Criteria: ACMG Guidelines, 2015. Collection method: not provided. Allele origin: germline. Inheritance: Autosomal dominant inheritance. Affected: yes.